The following is an entry in ClinVar:

ClinVar aggregate classification (germline): Uncertain significance (1 of 4 stars; one submission).

Allele frequency attached by ClinVar (database versions not stated): gnomAD exomes below 0.00001; ExAC 0.00002.
gnomAD v4.1: 3 of 1,613,360 alleles (0.00019%); highest among the groups gnomAD compares: Non-Finnish European, 0.00025%; no homozygotes.

Submission:

Ambry Genetics
Classification: Uncertain significance. Last evaluated: 2022-07-17. Review status: criteria provided, single submitter. Criteria: Ambry Variant Classification Scheme 2023. Collection method: clinical testing. Allele origin: germline.
Comment: The p.K1111Q variant (also known as c.3331A>C), located in coding exon 16 of the POLQ gene, results from an A to C substitution at nucleotide position 3331. The lysine at codon 1111 is replaced by glutamine, an amino acid with similar properties. This amino acid position is conserved. In addition, this alteration is predicted to be tolerated by in silico analysis. Since supporting evidence is limited at this time, the clinical significance of this alteration remains unclear.

NM_199420.4(POLQ):c.3331A>C (p.Lys1111Gln)

Gene: POLQ (DNA polymerase theta; minus strand). Cytogenetic location: 3q13.33.
Variant type: single nucleotide variant.
Coding change: c.3331A>C on transcript NM_199420.4 (MANE Select); coding-DNA position 3331, A replaced by C.
Protein change: p.Lys1111Gln; replaces lysine 1111 with glutamine.
Molecular consequence: missense variant.
Genome position (GRCh38, 1-based): chr3:121,489,600, T>G on the plus strand (A>C on the coding strand, the complement: POLQ is on the minus strand). VCF-style: chr3-121489600-T-G. GRCh37 (hg19) VCF-style: chr3-121208447-T-G.
Other names: short protein forms K1111Q.
Identifiers: ClinVar variation 1730320 (VCV001730320.2), dbSNP rs762097573, ClinGen allele CA2563075.
Genomic context (GRCh38, chr3:121,489,600, plus strand): 5'-CATTAGTTAGTGTTATGTTCCATGAACAATTTTGCTTTATTTGTAATGGGAATGATGTTT[T>G]ATTATCTTTTTCCTTACCACTCAAAGATACATTTTTAGCAAATGGCCCTGAATTTCTAAA-3'
Protein context (NP_955452.3, residues 1101-1121): VSLSGKEKDN[Lys1111Gln]TSFPLQIKQN